The following is an entry in ClinVar:

NM_001378454.1(ALMS1):c.10321A>T (p.Lys3441Ter)

Gene: ALMS1 (ALMS1 centrosome and basal body associated protein; plus strand). Cytogenetic location: 2p13.1.
Variant type: single nucleotide variant.
Coding change: c.10321A>T on transcript NM_001378454.1 (MANE Select); coding-DNA position 10321, A replaced by T.
Protein change: p.Lys3441Ter; replaces lysine 3441 with a stop codon.
Molecular consequence: nonsense.
Genome position (GRCh38, 1-based): chr2:73,559,079, A>T. VCF-style: chr2-73559079-A-T. GRCh37 (hg19) VCF-style: chr2-73786206-A-T.
Other names: c.10324A>T, p.Lys3442Ter (NM_015120.4); short protein forms K3441*, K3442*.
Identifiers: ClinVar variation 1725991 (VCV001725991.2), dbSNP rs770529318, ClinGen allele CA347278197.

ClinVar aggregate classification (germline): Likely pathogenic (1 of 4 stars; one submission).

Conditions:
Alstrom syndrome (ALMS). Identifiers: Orphanet 64, MedGen C0268425, MONDO:0008763, OMIM 203800.

Submission:

Myriad Genetics, Inc.
Classification: Likely pathogenic for Alstrom syndrome. Last evaluated: 2022-04-30. Review status: criteria provided, single submitter. Criteria: Myriad Women's Health Autosomal Recessive and X-Linked Classification Criteria (2021). Collection method: clinical testing. Allele origin: unknown.
Comment: NM_015120.4(ALMS1):c.10324A>T(K3442*) is expected to be pathogenic in the context of Alstrom syndrome. This variant is predicted to lead to an abnormal or absent protein product due to the creation of a premature termination codon in ALMS1, a gene where loss-of-function variants are known to be pathogenic. Please note: this variant was assessed in the context of healthy population screening.